The following is an entry in ClinVar:

ClinVar aggregate classification (germline): Pathogenic (1 of 4 stars; one submission).

Conditions:
Hereditary fructosuria. Also called: ALDOB DEFICIENCY; ALDOLASE B DEFICIENCY; FRUCTOSE-1,6-BISPHOSPHATE ALDOLASE B DEFICIENCY; FRUCTOSE-1-PHOSPHATE ALDOLASE DEFICIENCY; FRUCTOSEMIA; Fructose intolerance. Identifiers: Orphanet 469, MedGen C0016751, MONDO:0009249, OMIM 229600, HP:0005973. Disease mechanism: loss of function.

Submission:

Labcorp Genetics (formerly Invitae), Labcorp
Classification: Pathogenic for Hereditary fructosuria. Last evaluated: 2022-09-23. Review status: criteria provided, single submitter. Criteria: Invitae Variant Classification Sherloc (09022015). Collection method: clinical testing. Allele origin: germline.
Comment: This variant is a gross deletion of the genomic region encompassing exon(s) 2-6 of the ALDOB gene, which includes the initiator codon. This deletion extends beyond the assayed region for this gene and therefore may encompass additional genes. It is expected to result in an absent or disrupted protein product. Loss-of-function variants in ALDOB are known to be pathogenic (PMID: 18541450). A similar copy number variant has been observed in individual(s) with hereditary fructose intolerance (PMID: 20848650, 22494545, 23430936). For these reasons, this variant has been classified as Pathogenic.

Literature cited by the submitters: PubMed 18541450; PubMed 20848650; PubMed 22494545; PubMed 23430936.

NC_000009.11:g.(?_104188827)_(104193169_?)del

Gene: ALDOB (aldolase, fructose-bisphosphate B; minus strand). Cytogenetic location: 9q31.1.
Variant type: Deletion.
Identifiers: ClinVar variation 1073062 (VCV001073062.6).